The following is an entry in ClinVar:

ClinVar aggregate classification (germline): Uncertain significance (1 of 4 stars; one submission).

Conditions:
GM1 gangliosidosis. Identifiers: Orphanet 354, MedGen C0085131, MONDO:0018149.
Mucopolysaccharidosis, MPS-IV-B (MPS4B). Also called: MORQUIO SYNDROME B; Mucopolysaccharidosis Type IVB (Morquio B Disease); Mucopolysaccharidosis type IV B; Mucopolysaccharidosis Type IVB; Mucopolysaccharidosis type 4B; Mucopolysaccharidosis type IVB (Morquio). Identifiers: Orphanet 309310, Orphanet 582, MedGen C0086652, MONDO:0009660, OMIM 253010.

gnomAD v4.1: 1 of 1,613,732 alleles (0.000062%); highest among the groups gnomAD compares: Non-Finnish European, 0.000085%; no homozygotes.

Submission:

Labcorp Genetics (formerly Invitae), Labcorp
Classification: Uncertain significance for Mucopolysaccharidosis, MPS-IV-B; GM1 gangliosidosis. Last evaluated: 2023-07-10. Review status: criteria provided, single submitter. Criteria: Invitae Variant Classification Sherloc (09022015). Collection method: clinical testing. Allele origin: germline.
Comment: This sequence change replaces glutamine, which is neutral and polar, with proline, which is neutral and non-polar, at codon 411 of the GLB1 protein (p.Gln411Pro). In summary, the available evidence is currently insufficient to determine the role of this variant in disease. Therefore, it has been classified as a Variant of Uncertain Significance. Algorithms developed to predict the effect of sequence changes on RNA splicing suggest that this variant may disrupt the consensus splice site. An algorithm developed to predict the effect of missense changes on protein structure and function (PolyPhen-2) suggests that this variant is likely to be disruptive. ClinVar contains an entry for this variant (Variation ID: 2050376). This variant has not been reported in the literature in individuals affected with GLB1-related conditions. This variant is not present in population databases (gnomAD no frequency).

NM_000404.4(GLB1):c.1232A>C (p.Gln411Pro)

Gene: GLB1 (galactosidase beta 1; minus strand). Cytogenetic location: 3p22.3.
Variant type: single nucleotide variant.
Coding change: c.1232A>C on transcript NM_000404.4 (MANE Select); coding-DNA position 1232, A replaced by C.
Protein change: p.Gln411Pro; replaces glutamine 411 with proline.
Molecular consequence: missense variant.
Genome position (GRCh38, 1-based): chr3:33,021,567, T>G on the plus strand (A>C on the coding strand, the complement: GLB1 is on the minus strand). VCF-style: chr3-33021567-T-G. GRCh37 (hg19) VCF-style: chr3-33063059-T-G.
Other names: c.1142A>C, p.Gln381Pro (NM_001079811.3); c.839A>C, p.Gln280Pro (NM_001135602.3); c.1376A>C, p.Gln459Pro (NM_001317040.2); c.1232A>C, p.Gln411Pro (NM_001393580.1); short protein forms Q411P, Q459P, Q280P, Q381P.
Identifiers: ClinVar variation 2050376 (VCV002050376.4), dbSNP rs2471270695, ClinGen allele CA351992814.